The following is an entry in ClinVar:

ClinVar aggregate classification (germline): Pathogenic. Review status: criteria provided, multiple submitters, no conflicts (2 of 4 stars). 5 submissions from 5 submitters: Pathogenic (3). 2 of the submissions do not count toward it. Last evaluated 2026-01-13.

Conditions:
Inherited Immunodeficiency Diseases. Identifiers: MedGen C5197805, MeSH D000081207.
Immunodeficiency. Identifiers: MedGen C0021051, MONDO:0021094, HP:0002721.
IKZF1-related disorder. Also called: IKZF1-related condition.
Pancytopenia due to IKZF1 mutations. Also called: Immunodeficiency, common variable, 13. Identifiers: Orphanet 317473, MedGen C4225173, MONDO:0014810, OMIM 616873.

Allele frequency attached by ClinVar (database versions not stated): ExAC 0.00001; ESP Exome Variant Server 0.00008.

Submissions (5):

Labcorp Genetics (formerly Invitae), Labcorp
Classification: Pathogenic. Last evaluated: 2026-01-13. Review status: criteria provided, single submitter. Criteria: Invitae Variant Classification Sherloc (09022015). Collection method: clinical testing. Allele origin: germline.
Comment: This sequence change replaces asparagine, which is neutral and polar, with serine, which is neutral and polar, at codon 159 of the IKZF1 protein (p.Asn159Ser). This variant is not present in population databases (gnomAD no frequency). This missense change has been observed in individual(s) with combined immunodeficiency (PMID: 28096536, 29889099). In at least one individual the variant was observed to be de novo. ClinVar contains an entry for this variant (Variation ID: 827709). Algorithms developed to predict the effect of variants on gene product structure and function are not available or were not evaluated for this variant. Experimental studies have shown that this missense change affects IKZF1 function (PMID: 27939403, 28096536, 29889099). For these reasons, this variant has been classified as Pathogenic.

Dubai Health Genomic Medicine Center, Dubai Health
Classification: Pathogenic for Immunodeficiency. Last evaluated: 2024-10-04. Review status: criteria provided, single submitter. Criteria: ACMG Guidelines, 2015. Collection method: research. Allele origin: germline. Affected: yes.
Comment: PS2,PS3,PP3,PM2

NIHR Bioresource Rare Diseases, University of Cambridge
Classification: Pathogenic for Inherited Immunodeficiency Diseases. Last evaluated: 2019-01-01. Review status: criteria provided, single submitter. Criteria: ACMG Guidelines, 2015. Collection method: research. Allele origin: germline. Affected: yes. Observed: 1 heterozygote.

PreventionGenetics, part of Exact Sciences
Classification: Pathogenic for IKZF1-related condition. Last evaluated: 2024-08-16. Review status: no assertion criteria provided. Collection method: clinical testing. Allele origin: germline. Not counted in ClinVar's aggregate classification.
Comment: The IKZF1 c.476A>G variant is predicted to result in the amino acid substitution p.Asn159Ser. This variant has been reported in multiple individuals with primary immunodeficiency syndromes with many of the cases having confirmed de novo origin (Yoshida et al. 2017. PubMed ID: 28096536; Boutboul et al. 2018. PubMed ID: 29889099; Kellner et al. 2019. PubMed ID: 30965037). Multiple functional studies that compared the variant to wildtype suggest this variant abolishes DNA binding (Wang et al. 2023. PubMed ID: 37345307; Boutboul et al. 2018. PubMed ID: 29889099; Hoshino et al. 2022. PubMed ID: 35333544). This variant has not been reported in a large population database, indicating this variant is rare. This variant is interpreted as pathogenic.

Clinical Immunology, Karolinska University Hospital
Classification: Pathogenic for Pancytopenia due to IKZF1 mutations. Last evaluated: 2023-09-06. Review status: no assertion criteria provided. Collection method: clinical testing. Allele origin: germline. Inheritance: Autosomal dominant inheritance. Affected: yes. Not counted in ClinVar's aggregate classification.

Literature cited by the submitters: PubMed 28096536 (cited by Labcorp Genetics (formerly Invitae), Labcorp); PubMed 29889099 (cited by Labcorp Genetics (formerly Invitae), Labcorp); PubMed 27939403 (cited by Labcorp Genetics (formerly Invitae), Labcorp).

NM_006060.6(IKZF1):c.476A>G (p.Asn159Ser)

Gene: IKZF1 (IKAROS family zinc finger 1; plus strand). Cytogenetic location: 7p12.2.
Variant type: single nucleotide variant.
Coding change: c.476A>G on transcript NM_006060.6 (MANE Select); coding-DNA position 476, A replaced by G.
Protein change: p.Asn159Ser; replaces asparagine 159 with serine.
Molecular consequence: missense variant. On other transcripts: intron variant (6).
Genome position (GRCh38, 1-based): chr7:50,382,594, A>G. VCF-style: chr7-50382594-A-G. GRCh37 (hg19) VCF-style: chr7-50450292-A-G.
Other names: c.476A>G, p.Asn159Ser (NM_001220765.3, NM_001220768.2, NM_001291837.2); c.215A>G, p.Asn72Ser (NM_001220767.2, NM_001220770.2, NM_001291838.2 and 1 more transcripts); c.421+5801A>G (NM_001220771.2); c.161-4751A>G (NM_001291841.1, NM_001291842.1); c.161-9135A>G (NM_001291843.1, NM_001291844.1); c.161-17324A>G (NM_001291840.1); short protein forms N159S, N72S.
Identifiers: ClinVar variation 827709 (VCV000827709.8), dbSNP rs374333820, ClinGen allele CA4261309.